The following is an entry in ClinVar:

NM_016507.4(CDK12):c.4442G>A (p.Arg1481Lys)

Gene: CDK12 (cyclin dependent kinase 12; plus strand). Cytogenetic location: 17q12.
Variant type: single nucleotide variant.
Coding change: c.4442G>A on transcript NM_016507.4 (MANE Select); coding-DNA position 4442, G replaced by A.
Protein change: p.Arg1481Lys; replaces arginine 1481 with lysine.
Molecular consequence: missense variant.
Genome position (GRCh38, 1-based): chr17:39,531,285, G>A. VCF-style: chr17-39531285-G-A. GRCh37 (hg19) VCF-style: chr17-37687538-G-A.
Other names: c.4415G>A, p.Arg1472Lys (NM_015083.4); short protein forms R1472K, R1481K.
Identifiers: ClinVar variation 5034153 (VCV005034153.1).

ClinVar aggregate classification (germline): Uncertain significance (1 of 4 stars; one submission).

gnomAD v4.1: 1 of 1,495,170 alleles (0.000067%); highest among the groups gnomAD compares: Non-Finnish European, 0.000089%; no homozygotes.

Submission:

Ambry Genetics
Classification: Uncertain significance. Last evaluated: 2026-08-15. Review status: criteria provided, single submitter. Criteria: Ambry Variant Classification Scheme 2023. Collection method: clinical testing. Allele origin: germline.
Comment: The p.R1481K variant (also known as c.4442G>A), located in coding exon 14 of the CDK12 gene, results from a G to A substitution at nucleotide position 4442. The arginine at codon 1481 is replaced by lysine, an amino acid with highly similar properties. This amino acid position is conserved. In addition, this alteration is predicted to be tolerated by in silico analysis. Based on the available evidence, the clinical significance of this variant remains unclear.